The following is an entry in ClinVar:

NM_000535.7(PMS2):c.1397G>C (p.Gly466Ala)

Gene: PMS2 (PMS1 homolog 2, mismatch repair system component; minus strand). Cytogenetic location: 7p22.1.
Variant type: single nucleotide variant.
Coding change: c.1397G>C on transcript NM_000535.7 (MANE Select); coding-DNA position 1397, G replaced by C.
Protein change: p.Gly466Ala; replaces glycine 466 with alanine.
Molecular consequence: missense variant. On other transcripts: non-coding transcript variant (1).
Genome position (GRCh38, 1-based): chr7:5,987,368, C>G on the plus strand (G>C on the coding strand, the complement: PMS2 is on the minus strand). VCF-style: chr7-5987368-C-G. GRCh37 (hg19) VCF-style: chr7-6026999-C-G.
Other names: c.992G>C, p.Gly331Ala (NM_001322003.2, NM_001322004.2, NM_001322005.2 and 1 more transcripts); c.1241G>C, p.Gly414Ala (NM_001322006.2); c.1079G>C, p.Gly360Ala (NM_001322007.2, NM_001322008.2); c.836G>C, p.Gly279Ala (NM_001322010.2); c.464G>C, p.Gly155Ala (NM_001322011.2, NM_001322012.2); c.824G>C, p.Gly275Ala (NM_001322013.2); c.1397G>C, p.Gly466Ala (NM_001322014.2); c.1088G>C, p.Gly363Ala (NM_001322015.2); short protein forms G155A, G275A, G279A, G331A, G360A, G363A, G414A, G466A.
Identifiers: ClinVar variation 968571 (VCV000968571.18), dbSNP rs1339878885, ClinGen allele CA366742125.

ClinVar aggregate classification (germline): Conflicting classifications of pathogenicity. Review status: criteria provided, conflicting classifications (1 of 4 stars). 5 submissions from 5 submitters: Uncertain significance (4); Likely benign (1). Last evaluated 2025-05-27.

Conditions:
Hereditary nonpolyposis colorectal neoplasms. Identifiers: MedGen C0009405, MeSH D003123.
Hereditary cancer-predisposing syndrome. Also called: Hereditary neoplastic syndrome; Neoplastic Syndromes, Hereditary; Hereditary Cancer Syndrome; Tumor predisposition. Identifiers: Orphanet 140162, MedGen C0027672, MeSH D009386, MONDO:0015356.

Allele frequency attached by ClinVar (database versions not stated): gnomAD 0.00001; TOPMed 0.00001.
gnomAD v4.1: 1 of 1,614,086 alleles (0.000062%); highest among the groups gnomAD compares: African/African-American, 0.0013%; no homozygotes.

Submissions (5):

Ambry Genetics
Classification: Likely benign for Hereditary cancer-predisposing syndrome. Last evaluated: 2025-05-27. Review status: criteria provided, single submitter. Criteria: Ambry Variant Classification Scheme 2023. Collection method: clinical testing. Allele origin: germline.

Labcorp Genetics (formerly Invitae), Labcorp
Classification: Uncertain significance for Hereditary nonpolyposis colorectal neoplasms. Last evaluated: 2024-11-29. Review status: criteria provided, single submitter. Criteria: Invitae Variant Classification Sherloc (09022015). Collection method: clinical testing. Allele origin: germline.
Comment: This sequence change replaces glycine, which is neutral and non-polar, with alanine, which is neutral and non-polar, at codon 466 of the PMS2 protein (p.Gly466Ala). This variant is not present in population databases (gnomAD no frequency). This variant has not been reported in the literature in individuals affected with PMS2-related conditions. ClinVar contains an entry for this variant (Variation ID: 968571). Invitae Evidence Modeling incorporating data from in vitro experimental studies (internal data) indicates that this missense variant is not expected to disrupt PMS2 function with a negative predictive value of 95%. In summary, the available evidence is currently insufficient to determine the role of this variant in disease. Therefore, it has been classified as a Variant of Uncertain Significance.

Color Diagnostics, LLC DBA Color Health
Classification: Uncertain significance for Hereditary cancer-predisposing syndrome. Last evaluated: 2024-03-06. Review status: criteria provided, single submitter. Criteria: ACMG Guidelines, 2015. Collection method: clinical testing. Allele origin: germline.
Comment: This missense variant replaces glycine with alanine at codon 466 of the PMS2 protein. Computational prediction suggests that this variant may not impact protein structure and function (internally defined REVEL score threshold <= 0.5, PMID: 27666373). To our knowledge, functional studies have not been reported for this variant. This variant has not been reported in individuals affected with hereditary cancer in the literature. This variant has not been identified in the general population by the Genome Aggregation Database (gnomAD). The available evidence is insufficient to determine the role of this variant in disease conclusively. Therefore, this variant is classified as a Variant of Uncertain Significance.

GeneDx
Classification: Uncertain significance. Last evaluated: 2024-02-08. Review status: criteria provided, single submitter. Criteria: GeneDx Variant Classification Process June 2021. Collection method: clinical testing. Allele origin: germline. Affected: yes.
Comment: Not observed at significant frequency in large population cohorts (gnomAD); In silico analysis supports that this missense variant does not alter protein structure/function; Has not been previously published as pathogenic or benign to our knowledge

Women's Health and Genetics/Laboratory Corporation of America, LabCorp
Classification: Uncertain significance. Last evaluated: 2020-10-29. Review status: criteria provided, single submitter. Criteria: LabCorp Variant Classification Summary - May 2015. Collection method: clinical testing. Allele origin: germline.
Comment: Variant summary: PMS2 c.1397G>C (p.Gly466Ala) results in a non-conservative amino acid change in the encoded protein sequence. Four of five in-silico tools predict a benign effect of the variant on protein function. The variant was absent in 251486 control chromosomes. The available data on variant occurrences in the general population are insufficient to allow any conclusion about variant significance. To our knowledge, no occurrence of c.1397G>C in individuals affected with Lynch Syndrome and no experimental evidence demonstrating its impact on protein function have been reported. One clinical diagnostic laboratory has submitted clinical-significance assessments for this variant to ClinVar after 2014 without evidence for independent evaluation, citing the variant as uncertain significance. Based on the evidence outlined above, the variant was classified as uncertain significance.